The following is an entry in ClinVar:

NM_000748.3(CHRNB2):c.52C>T (p.Arg18Trp)

Gene: CHRNB2 (cholinergic receptor nicotinic beta 2 subunit; plus strand). Cytogenetic location: 1q21.3.
Variant type: single nucleotide variant.
Coding change: c.52C>T on transcript NM_000748.3 (MANE Select); coding-DNA position 52, C replaced by T.
Protein change: p.Arg18Trp; replaces arginine 18 with tryptophan.
Molecular consequence: missense variant.
Genome position (GRCh38, 1-based): chr1:154,568,096, C>T. VCF-style: chr1-154568096-C-T. GRCh37 (hg19) VCF-style: chr1-154540572-C-T.
Other names: short protein forms R18W.
Identifiers: ClinVar variation 3718074 (VCV003718074.2).

ClinVar aggregate classification (germline): Uncertain significance (1 of 4 stars; one submission).

Conditions:
Familial sleep-related hypermotor epilepsy. Also called: Autosomal Dominant Sleep-Related Hypermotor (Hyperkinetic) Epilepsy. Identifiers: Orphanet 98784, MedGen C3696898, MONDO:0000030.

Submission:

Labcorp Genetics (formerly Invitae), Labcorp
Classification: Uncertain significance. Last evaluated: 2024-11-04. Review status: criteria provided, single submitter. Criteria: Invitae Variant Classification Sherloc (09022015). Collection method: clinical testing. Allele origin: germline.
Comment: This sequence change replaces arginine, which is basic and polar, with tryptophan, which is neutral and slightly polar, at codon 18 of the CHRNB2 protein (p.Arg18Trp). This variant is not present in population databases (gnomAD no frequency). This variant has not been reported in the literature in individuals affected with CHRNB2-related conditions. Invitae Evidence Modeling of protein sequence and biophysical properties (such as structural, functional, and spatial information, amino acid conservation, physicochemical variation, residue mobility, and thermodynamic stability) indicates that this missense variant is not expected to disrupt CHRNB2 protein function with a negative predictive value of 95%. In summary, the available evidence is currently insufficient to determine the role of this variant in disease. Therefore, it has been classified as a Variant of Uncertain Significance.